The following is an entry in ClinVar:

ClinVar aggregate classification (germline): Conflicting classifications of pathogenicity. Review status: criteria provided, conflicting classifications (1 of 4 stars). 2 submissions from 2 submitters: Uncertain significance (1); Likely benign (1). Last evaluated 2024-09-20.

Conditions:
Aromatase deficiency. Also called: Increased aromatase activity; PSEUDOHERMAPHRODITISM, FEMALE, DUE TO PLACENTAL AROMATASE DEFICIENCY. Identifiers: Orphanet 91, MedGen C1960539, MONDO:0013301, OMIM 613546.
Lethal congenital contracture syndrome 11 (LCCS11). Identifiers: MedGen C4310670, MONDO:0014965, OMIM 617194.

Allele frequency attached by ClinVar (database versions not stated): TOPMed 0.00009.

Submissions (2):

3billion
Classification: Likely benign for Lethal congenital contracture syndrome 11; Aromatase deficiency. Last evaluated: 2024-09-20. Review status: criteria provided, single submitter. Criteria: ACMG Guidelines, 2015. Collection method: clinical testing. Allele origin: germline. Affected: no.
Comment: The homozygous variant was found in patients diagnosed with another variant in a different gene, with no symptoms related to the gene containing the homozygous variant.

CeGaT Center for Human Genetics Tuebingen
Classification: Uncertain significance. Last evaluated: 2018-04-01. Review status: criteria provided, single submitter. Criteria: CeGaT Center For Human Genetics Tuebingen Variant Classification Criteria Version 2. Collection method: clinical testing. Allele origin: germline. Affected: yes. Observed: 1 variant allele.

NM_181789.4(GLDN):c.95C>G (p.Ala32Gly)

Gene: GLDN (gliomedin; plus strand). Cytogenetic location: 15q21.2.
Variant type: single nucleotide variant.
Coding change: c.95C>G on transcript NM_181789.4 (MANE Select); coding-DNA position 95, C replaced by G.
Protein change: p.Ala32Gly; replaces alanine 32 with glycine.
Molecular consequence: missense variant.
Genome position (GRCh38, 1-based): chr15:51,341,779, C>G. VCF-style: chr15-51341779-C-G. GRCh37 (hg19) VCF-style: chr15-51633976-C-G.
Other names: short protein forms A32G.
Identifiers: ClinVar variation 807260 (VCV000807260.42), dbSNP rs779432560, ClinGen allele CA7560215.